The following is an entry in ClinVar:

NM_016938.5(EFEMP2):c.647G>A (p.Arg216His)

Gene: EFEMP2 (EGF-like fibulin extracellular matrix protein 2; minus strand). Cytogenetic location: 11q13.1.
Variant type: single nucleotide variant.
Coding change: c.647G>A on transcript NM_016938.5 (MANE Select); coding-DNA position 647, G replaced by A.
Protein change: p.Arg216His; replaces arginine 216 with histidine.
Molecular consequence: missense variant. On other transcripts: non-coding transcript variant (1).
Genome position (GRCh38, 1-based): chr11:65,869,937, C>T on the plus strand (G>A on the coding strand, the complement: EFEMP2 is on the minus strand). VCF-style: chr11-65869937-C-T. GRCh37 (hg19) VCF-style: chr11-65637408-C-T.
Other names: short protein forms R216H.
Identifiers: ClinVar variation 1753749 (VCV001753749.5), dbSNP rs753231147, ClinGen allele CA6110567.

ClinVar aggregate classification (germline): Uncertain significance. Review status: criteria provided, multiple submitters, no conflicts (2 of 4 stars). 3 submissions from 3 submitters: Uncertain significance (3). Last evaluated 2025-12-02.

Conditions:
EFEMP2-related disorder. Also called: EFEMP2-related condition.
Cardiovascular phenotype. Identifiers: MedGen CN230736.

Allele frequency attached by ClinVar (database versions not stated): ExAC 0.00001; gnomAD 0.00001; TOPMed 0.00001.

Submissions (3):

Ambry Genetics
Classification: Uncertain significance for Cardiovascular phenotype. Last evaluated: 2025-12-02. Review status: criteria provided, single submitter. Criteria: Ambry Variant Classification Scheme 2023. Collection method: clinical testing. Allele origin: germline.
Comment: The p.R216H variant (also known as c.647G>A), located in coding exon 6 of the EFEMP2 gene, results from a G to A substitution at nucleotide position 647. The arginine at codon 216 is replaced by histidine, an amino acid with highly similar properties. This amino acid position is conserved. In addition, the in silico prediction for this alteration is inconclusive. Since supporting evidence is limited at this time, the clinical significance of this alteration remains unclear.

PreventionGenetics, part of Exact Sciences
Classification: Uncertain significance for EFEMP2-related condition. Last evaluated: 2025-05-27. Review status: criteria provided, single submitter. Criteria: ACMG Guidelines, 2015. Collection method: clinical testing. Allele origin: germline.
Comment: The EFEMP2 c.647G>A variant is predicted to result in the amino acid substitution p.Arg216His. To our knowledge, this variant has not been reported in the literature. This variant is reported in 0.0033% of alleles in individuals of South Asian descent in gnomAD. At this time, the clinical significance of this variant is uncertain due to the absence of conclusive functional and genetic evidence.

GeneDx
Classification: Uncertain significance. Last evaluated: 2025-03-04. Review status: criteria provided, single submitter. Criteria: GeneDx Variant Classification Process June 2021. Collection method: clinical testing. Allele origin: germline. Affected: yes.
Comment: Not observed at significant frequency in large population cohorts (gnomAD); In silico analysis indicates that this missense variant does not alter protein structure/function; Has not been previously published as pathogenic or benign to our knowledge